The following is an entry in ClinVar:

NM_002485.5(NBN):c.635T>G (p.Leu212Arg)

Gene: NBN (nibrin; minus strand). Cytogenetic location: 8q21.3.
Variant type: single nucleotide variant.
Coding change: c.635T>G on transcript NM_002485.5 (MANE Select); coding-DNA position 635, T replaced by G.
Protein change: p.Leu212Arg; replaces leucine 212 with arginine.
Molecular consequence: missense variant.
Genome position (GRCh38, 1-based): chr8:89,971,240, A>C on the plus strand (T>G on the coding strand, the complement: NBN is on the minus strand). VCF-style: chr8-89971240-A-C. GRCh37 (hg19) VCF-style: chr8-90983468-A-C.
Other names: c.389T>G, p.Leu130Arg (NM_001024688.3); short protein forms L130R, L212R.
Identifiers: ClinVar variation 1419172 (VCV001419172.6), dbSNP rs2129838690, ClinGen allele CA371659175.

ClinVar aggregate classification (germline): Uncertain significance (1 of 4 stars; one submission).

Conditions:
Microcephaly, normal intelligence and immunodeficiency (NBS). Also called: Nijmegen breakage syndrome; Microcephaly with normal intelligence immunodeficiency and lymphoreticular malignancies; Nonsyndromal microcephaly autosomal recessive with normal intelligence; Seemanova syndrome 2; SEEMANOVA SYNDROME II; IMMUNODEFICIENCY, MICROCEPHALY, AND CHROMOSOMAL INSTABILITY. Identifiers: Orphanet 647, MedGen C0398791, MONDO:0009623, OMIM 251260.

Submission:

Labcorp Genetics (formerly Invitae), Labcorp
Classification: Uncertain significance for Microcephaly, normal intelligence and immunodeficiency. Last evaluated: 2021-09-10. Review status: criteria provided, single submitter. Criteria: Invitae Variant Classification Sherloc (09022015). Collection method: clinical testing. Allele origin: germline.
Comment: This sequence change replaces leucine with arginine at codon 212 of the NBN protein (p.Leu212Arg). The leucine residue is moderately conserved and there is a moderate physicochemical difference between leucine and arginine. This variant is not present in population databases (ExAC no frequency). This variant has not been reported in the literature in individuals affected with NBN-related conditions. Algorithms developed to predict the effect of missense changes on protein structure and function are either unavailable or do not agree on the potential impact of this missense change (SIFT: "Deleterious"; PolyPhen-2: "Probably Damaging"; Align-GVGD: "Class C0"). In summary, the available evidence is currently insufficient to determine the role of this variant in disease. Therefore, it has been classified as a Variant of Uncertain Significance.